The following continues an entry in ClinVar:

NM_000350.3(ABCA4):c.6449G>A (p.Cys2150Tyr)

Gene: ABCA4. ClinVar aggregate classification (germline): Pathogenic. Pathogenic (1).

Submissions 11 to 14 of 14:

Eurofins Ntd Llc (ga)
Classification: Pathogenic. Last evaluated: 2017-03-29. Review status: criteria provided, single submitter. Criteria: EGL Classification Definitions 2015. Collection method: clinical testing. Allele origin: germline. Observed: 1 variant allele, 1 heterozygote. Not counted in ClinVar's aggregate classification.

Institute of Human Genetics, Univ. Regensburg, Univ. Regensburg
Classification: Likely pathogenic for Severe early-childhood-onset retinal dystrophy. Last evaluated: 2016-01-01. Review status: criteria provided, single submitter. Criteria: Schulz et al. (Invest Ophthalmol Vis Sci. 2017). Collection method: clinical testing. Allele origin: germline. Affected: yes. Observed: 1 heterozygote, 1 homozygote. Not counted in ClinVar's aggregate classification.

NIHR Bioresource Rare Diseases, University of Cambridge
Classification: Likely pathogenic. Last evaluated: 2015-01-01. Review status: no assertion criteria provided. Collection method: research. Allele origin: unknown. Affected: yes. Observed: 2 variant alleles. Not counted in ClinVar's aggregate classification.

Retina International
No classification provided. Review status: no classification provided. Collection method: not provided. Allele origin: unknown. Not counted in ClinVar's aggregate classification.

Literature cited by the submitters: PubMed 15579991 (cited by Labcorp Genetics (formerly Invitae), Labcorp and Institute of Human Genetics, Univ. Regensburg, Univ. Regensburg); PubMed 23755871 (cited by Labcorp Genetics (formerly Invitae), Labcorp); PubMed 24743636 (cited by Labcorp Genetics (formerly Invitae), Labcorp and Institute of Human Genetics, Univ. Regensburg, Univ. Regensburg); PubMed 25283059 (cited by Labcorp Genetics (formerly Invitae), Labcorp and Institute of Human Genetics, Univ. Regensburg, Univ. Regensburg); PubMed 28559085 (cited by Labcorp Genetics (formerly Invitae), Labcorp and Institute of Human Genetics, Univ. Regensburg, Univ. Regensburg); PubMed 11527935 (cited by Labcorp Genetics (formerly Invitae), Labcorp); PubMed 27820952 (cited by Victorian Clinical Genetics Services, Murdoch Childrens Research Institute); PubMed 31522899 (cited by Victorian Clinical Genetics Services, Murdoch Childrens Research Institute); PubMed 35156991 (cited by Victorian Clinical Genetics Services, Murdoch Childrens Research Institute); PubMed 37296172 (cited by Victorian Clinical Genetics Services, Murdoch Childrens Research Institute); PubMed 10206579 (cited by Institute of Human Genetics, Univ. Regensburg, Univ. Regensburg and NIHR Bioresource Rare Diseases, University of Cambridge); PubMed 19074458 (cited by Institute of Human Genetics, Univ. Regensburg, Univ. Regensburg); PubMed 22264887 (cited by Institute of Human Genetics, Univ. Regensburg, Univ. Regensburg); PubMed 31589614 (cited by Institute of Human Genetics, Univ. Regensburg, Univ. Regensburg); PubMed 29925512 (cited by Institute of Human Genetics, Univ. Regensburg, Univ. Regensburg); PubMed 32619608 (cited by Institute of Human Genetics, Univ. Regensburg, Univ. Regensburg); PubMed 32483926 (cited by Institute of Human Genetics, Univ. Regensburg, Univ. Regensburg); PubMed 32467599 (cited by Institute of Human Genetics, Univ. Regensburg, Univ. Regensburg); PubMed 31964843 (cited by Institute of Human Genetics, Univ. Regensburg, Univ. Regensburg); PubMed 31429209 (cited by Institute of Human Genetics, Univ. Regensburg, Univ. Regensburg); PubMed 32307445 (cited by Institute of Human Genetics, Univ. Regensburg, Univ. Regensburg); PubMed 32581362 (cited by Institute of Human Genetics, Univ. Regensburg, Univ. Regensburg); PubMed 32531858 (cited by Institute of Human Genetics, Univ. Regensburg, Univ. Regensburg); PubMed 35119454 (cited by Institute of Human Genetics, Univ. Regensburg, Univ. Regensburg); PubMed 35260635 (cited by Institute of Human Genetics, Univ. Regensburg, Univ. Regensburg); PubMed 36460718 (cited by Institute of Human Genetics, Univ. Regensburg, Univ. Regensburg); PubMed 35076026 (cited by Institute of Human Genetics, Univ. Regensburg, Univ. Regensburg); PubMed 28041643 (cited by NIHR Bioresource Rare Diseases, University of Cambridge).